The following is an entry in ClinVar:

NM_016180.5(SLC45A2):c.130G>C (p.Gly44Arg)

Gene: SLC45A2 (solute carrier family 45 member 2; minus strand). Cytogenetic location: 5p13.2.
Variant type: single nucleotide variant.
Coding change: c.130G>C on transcript NM_016180.5 (MANE Select); coding-DNA position 130, G replaced by C.
Protein change: p.Gly44Arg; replaces glycine 44 with arginine.
Molecular consequence: missense variant.
Genome position (GRCh38, 1-based): chr5:33,984,454, C>G on the plus strand (G>C on the coding strand, the complement: SLC45A2 is on the minus strand). VCF-style: chr5-33984454-C-G. GRCh37 (hg19) VCF-style: chr5-33984559-C-G.
Other names: c.130G>C, p.Gly44Arg (NM_001012509.4, NM_001297417.4); short protein forms G44R.
Identifiers: ClinVar variation 1496395 (VCV001496395.6), dbSNP rs772652116, ClinGen allele CA3225872.

ClinVar aggregate classification (germline): Pathogenic (1 of 4 stars; one submission).

Allele frequency attached by ClinVar (database versions not stated): ExAC 0.00001; gnomAD exomes 0.00001.
gnomAD v4.1: 2 of 1,613,772 alleles (0.00012%); highest among the groups gnomAD compares: Admixed American, 0.0033%; no homozygotes.

Submission:

Labcorp Genetics (formerly Invitae), Labcorp
Classification: Pathogenic. Last evaluated: 2024-03-04. Review status: criteria provided, single submitter. Criteria: Invitae Variant Classification Sherloc (09022015). Collection method: clinical testing. Allele origin: germline.
Comment: This sequence change replaces glycine, which is neutral and non-polar, with arginine, which is basic and polar, at codon 44 of the SLC45A2 protein (p.Gly44Arg). This variant is present in population databases (rs772652116, gnomAD 0.006%). This missense change has been observed in individual(s) with clinical features of oculocutaneous albinism (PMID: 18463683, 27734839, 29345414). In at least one individual the data is consistent with being in trans (on the opposite chromosome) from a pathogenic variant. ClinVar contains an entry for this variant (Variation ID: 1496395). Advanced modeling of protein sequence and biophysical properties (such as structural, functional, and spatial information, amino acid conservation, physicochemical variation, residue mobility, and thermodynamic stability) performed at Invitae indicates that this missense variant is expected to disrupt SLC45A2 protein function with a positive predictive value of 80%. For these reasons, this variant has been classified as Pathogenic.

Literature cited by the submitters: PubMed 18463683; PubMed 27734839; PubMed 29345414.